The following is an entry in ClinVar:

ClinVar aggregate classification (germline): Uncertain significance (1 of 4 stars; one submission).

gnomAD v4.1: 18 of 1,613,372 alleles (0.0011%); highest among the groups gnomAD compares: Admixed American, 0.0017%; no homozygotes.

Submission:

Mayo Clinic Laboratories, Mayo Clinic
Classification: Uncertain significance. Last evaluated: 2024-06-10. Review status: criteria provided, single submitter. Criteria: ACMG Guidelines, 2015. Collection method: clinical testing. Allele origin: germline. Observed: 1 variant allele.
Comment: BP4

NM_005666.4(CFHR2):c.586C>A (p.Gln196Lys)

Gene: CFHR2 (complement factor H related 2; plus strand). Cytogenetic location: 1q31.3.
Variant type: single nucleotide variant.
Coding change: c.586C>A on transcript NM_005666.4 (MANE Select); coding-DNA position 586, C replaced by A.
Protein change: p.Gln196Lys; replaces glutamine 196 with lysine.
Molecular consequence: missense variant.
Genome position (GRCh38, 1-based): chr1:196,958,046, C>A. VCF-style: chr1-196958046-C-A. GRCh37 (hg19) VCF-style: chr1-196927176-C-A.
Other names: p.Gln196Lys; c.214C>A, p.Gln72Lys (NM_001312672.1); c.391C>A, p.Gln131Lys (NM_001410924.1); short protein forms Q131K, Q196K, Q72K.
Identifiers: ClinVar variation 3380430 (VCV003380430.1).